The following is an entry in ClinVar:

NM_015311.3(OBSL1):c.4838C>T (p.Ala1613Val)

Gene: OBSL1 (obscurin like cytoskeletal adaptor 1; minus strand). Cytogenetic location: 2q35.
Variant type: single nucleotide variant.
Coding change: c.4838C>T on transcript NM_015311.3 (MANE Select); coding-DNA position 4838, C replaced by T.
Protein change: p.Ala1613Val; replaces alanine 1613 with valine.
Molecular consequence: missense variant.
Genome position (GRCh38, 1-based): chr2:219,554,512, G>A on the plus strand (C>T on the coding strand, the complement: OBSL1 is on the minus strand). VCF-style: chr2-219554512-G-A. GRCh37 (hg19) VCF-style: chr2-220419234-G-A.
Other names: short protein forms A1613V.
Identifiers: ClinVar variation 2254034 (VCV002254034.3), dbSNP rs575864840, ClinGen allele CA2130420.
Genomic context (GRCh38, chr2:219,554,512, plus strand): 5'-GCTGTGGTCCTGGAGGCCACACCTCTCACAATGAGTCTGGCTGCGCAGCGCAGGGAATCC[G>A]CTGTGAAGGAGACACAGCCTGAGTCGGCCAGGCCCAGGCCATTGAGTACCAGTCGGTGAC-3'
Protein context (NP_056126.1, residues 1603-1623): LADSGCVSFT[Ala1613Val]DSLRCAARLI

ClinVar aggregate classification (germline): Uncertain significance. Review status: criteria provided, multiple submitters, no conflicts (2 of 4 stars). 2 submissions from 2 submitters: Uncertain significance (2). Last evaluated 2026-03-23.

Conditions:
Inborn genetic diseases. Identifiers: MedGen C0950123, MeSH D030342.

Allele frequency attached by ClinVar (database versions not stated): TOPMed below 0.00001; gnomAD 0.00001; gnomAD exomes 0.00002; ExAC 0.00007; 1000 Genomes Project 0.00020; 1000 Genomes Project 30x 0.00031.
gnomAD v4.1: 34 of 1,613,336 alleles (0.0021%); highest among the groups gnomAD compares: Middle Eastern, 0.033%; no homozygotes.

Submissions (2):

Women's Health and Genetics/Laboratory Corporation of America, LabCorp
Classification: Uncertain significance. Last evaluated: 2026-03-23. Review status: criteria provided, single submitter. Criteria: LabCorp Variant Classification Summary - May 2015. Collection method: clinical testing. Allele origin: germline.
Comment: Variant summary: OBSL1 c.4838C>T (p.Ala1613Val) results in a non-conservative amino acid change in the encoded protein sequence. Algorithms developed to predict the effect of missense changes on protein structure and function are either unavailable or do not agree on the potential impact of this missense change. The variant allele was found at a frequency of 4.4e-05 in 247682 control chromosomes. This frequency is not significantly higher than estimated for disease-causing variants in OBSL1, allowing no conclusion about variant significance. To our knowledge, no occurrence of c.4838C>T in individuals affected with OBSL1-related conditions and no experimental evidence demonstrating its impact on protein function have been reported. ClinVar contains an entry for this variant (Variation ID: 2254034). Based on the evidence outlined above, the variant was classified as uncertain significance.

Ambry Genetics
Classification: Uncertain significance for Inborn genetic diseases. Last evaluated: 2021-10-06. Review status: criteria provided, single submitter. Criteria: Ambry Variant Classification Scheme 2023. Collection method: clinical testing. Allele origin: germline.